The following is an entry in ClinVar:

ClinVar aggregate classification (germline): Pathogenic (1 of 4 stars; one submission).

Conditions:
Familial cancer of breast. Also called: Hereditary breast cancer; hereditary breast carcinoma; BREAST CANCER, FAMILIAL. Identifiers: Orphanet 227535, MedGen C0346153, MONDO:0016419, OMIM 114480. Disease mechanism: loss of function.

Submission:

Labcorp Genetics (formerly Invitae), Labcorp
Classification: Pathogenic for Familial cancer of breast. Last evaluated: 2021-06-02. Review status: criteria provided, single submitter. Criteria: Invitae Variant Classification Sherloc (09022015). Collection method: clinical testing. Allele origin: germline.
Comment: This sequence change creates a premature translational stop signal (p.Ile416Phefs*21) in the CHEK2 gene. It is expected to result in an absent or disrupted protein product. Loss-of-function variants in CHEK2 are known to be pathogenic (PMID: 21876083, 24713400). This variant is not present in population databases (ExAC no frequency). This variant has not been reported in the literature in individuals with CHEK2-related conditions. For these reasons, this variant has been classified as Pathogenic.

Literature cited by the submitters: PubMed 21876083; PubMed 24713400.

NM_007194.4(CHEK2):c.1246del (p.Ile416fs)

Gene: CHEK2 (checkpoint kinase 2; minus strand). Cytogenetic location: 22q12.1.
Variant type: Deletion.
Coding change: c.1246del on transcript NM_007194.4 (MANE Select); coding-DNA position 1246, one base deleted (A; older notation c.1246delA).
Protein change: p.Ile416fs; shifts the reading frame from isoleucine 416.
Molecular consequence: frameshift variant.
Genome position (GRCh38, 1-based): chr22:28,695,723, T deleted on the plus strand (A on the coding strand, the reverse complement: CHEK2 is on the minus strand). VCF-style (leftmost placement, unchanged base first): chr22-28695722-AT-A. GRCh37 (hg19) VCF-style: chr22-29091710-AT-A.
Other names: c.1375delA, p.Ile459Phefs (NM_001005735.3); c.583delA, p.Ile195Phefs (NM_001257387.3); c.1045delA, p.Ile349Phefs (NM_001349956.3); c.1159delA, p.Ile387Phefs (NM_145862.3); short protein forms I195fs, I387fs, I459fs, I349fs, I416fs.
Identifiers: ClinVar variation 1454011 (VCV001454011.7), dbSNP rs2145801378, ClinGen allele CA2573157950.